The following is an entry in ClinVar:

ClinVar aggregate classification (germline): Uncertain significance (1 of 4 stars; one submission).

Submission:

GeneDx
Classification: Uncertain significance. Last evaluated: 2025-03-30. Review status: criteria provided, single submitter. Criteria: GeneDx Variant Classification Process June 2021. Collection method: clinical testing. Allele origin: germline. Affected: yes.
Comment: Not observed at significant frequency in large population cohorts (gnomAD); In silico analysis supports that this missense variant has a deleterious effect on protein structure/function; Has not been previously published as pathogenic or benign to our knowledge

NM_000038.6(APC):c.1213C>G (p.Arg405Gly)

Gene: APC (APC regulator of Wnt signaling pathway; plus strand). Cytogenetic location: 5q22.2.
Variant type: single nucleotide variant.
Coding change: c.1213C>G on transcript NM_000038.6 (MANE Select); coding-DNA position 1213, C replaced by G.
Protein change: p.Arg405Gly; replaces arginine 405 with glycine.
Molecular consequence: missense variant. On other transcripts: non-coding transcript variant (2), intron variant (15).
Genome position (GRCh38, 1-based): chr5:112,819,245, C>G. VCF-style: chr5-112819245-C-G. GRCh37 (hg19) VCF-style: chr5-112154942-C-G.
Other names: c.1213C>G, p.Arg405Gly (NM_001127510.3, NM_001354895.2, NM_001354896.2 and 4 more transcripts); c.1159C>G, p.Arg387Gly (NM_001127511.3); c.1243C>G, p.Arg415Gly (NM_001354897.2, NM_001407446.1); c.1138C>G, p.Arg380Gly (NM_001354898.2, NM_001407451.1); c.1129C>G, p.Arg377Gly (NM_001354899.2, NM_001407452.1); c.1036C>G, p.Arg346Gly (NM_001354900.2, NM_001354901.2, NM_001407453.1); c.364C>G, p.Arg122Gly (NM_001354906.2, NM_001407470.1); c.85-24C>G (NM_001407472.1, NM_001407471.1); and 5 more; short protein forms R122G, R346G, R377G, R380G, R387G, R405G, R415G.
Identifiers: ClinVar variation 4278805 (VCV004278805.1).